The following is an entry in ClinVar:

NM_000182.5(HADHA):c.2112C>T (p.Ala704=)

Genes: GAREM2 (GRB2 associated regulator of MAPK1 subtype 2; plus strand), HADHA (hydroxyacyl-CoA dehydrogenase trifunctional multienzyme complex subunit alpha; minus strand). Cytogenetic location: 2p23.3.
Variant type: single nucleotide variant.
Coding change: c.2112C>T on transcript NM_000182.5 (MANE Select); coding-DNA position 2112, C replaced by T.
Protein change: p.Ala704=; no amino-acid change (alanine 704 retained).
Molecular consequence: synonymous variant.
Genome position (GRCh38, 1-based): chr2:26,191,517, G>A on the plus strand (C>T on the coding strand, the complement: HADHA is on the minus strand). VCF-style: chr2-26191517-G-A. GRCh37 (hg19) VCF-style: chr2-26414386-G-A.
Identifiers: ClinVar variation 745142 (VCV000745142.23), dbSNP rs754294789, ClinGen allele CA1559373.

ClinVar aggregate classification (germline): Likely benign. Review status: criteria provided, multiple submitters, no conflicts (2 of 4 stars). 3 submissions from 3 submitters: Likely benign (2). 1 of the submissions does not count toward it. Last evaluated 2025-06-01.

Conditions:
Long chain 3-hydroxyacyl-CoA dehydrogenase deficiency. Also called: Deficiency of long-chain 3-hydroxyacyl-coenzyme A dehydrogenase; LCHAD Deficiency. Identifiers: Orphanet 5, MedGen C3711645, MONDO:0012173, OMIM 609016.
Mitochondrial trifunctional protein deficiency. Identifiers: Orphanet 746, MedGen C1969443, MONDO:0012172.
HADHA-related disorder. Also called: HADHA-related disorders; HADHA-related condition.

Allele frequency attached by ClinVar (database versions not stated): gnomAD 0.00001; gnomAD exomes 0.00001 and 0.00007; TOPMed 0.00003; ExAC 0.00006.
gnomAD v4.1: 21 of 1,614,062 alleles (0.0013%); highest among the groups gnomAD compares: East Asian, 0.011%; no homozygotes.

Submissions (3):

CeGaT Center for Human Genetics Tuebingen
Classification: Likely benign. Last evaluated: 2025-06-01. Review status: criteria provided, single submitter. Criteria: CeGaT Center For Human Genetics Tuebingen Variant Classification Criteria Version 2. Collection method: clinical testing. Allele origin: germline. Affected: yes. Observed: 1 variant allele.
Comment: HADHA: BP4, BP7

Labcorp Genetics (formerly Invitae), Labcorp
Classification: Likely benign for Mitochondrial trifunctional protein deficiency; Long chain 3-hydroxyacyl-CoA dehydrogenase deficiency. Last evaluated: 2024-12-10. Review status: criteria provided, single submitter. Criteria: Invitae Variant Classification Sherloc (09022015). Collection method: clinical testing. Allele origin: germline.

PreventionGenetics, part of Exact Sciences
Classification: Likely benign for HADHA-related condition. Last evaluated: 2019-06-17. Review status: no assertion criteria provided. Collection method: clinical testing. Allele origin: germline. Not counted in ClinVar's aggregate classification.
Comment: This variant is classified as likely benign based on ACMG/AMP sequence variant interpretation guidelines (Richards et al. 2015 PMID: 25741868, with internal and published modifications).